The following is an entry in ClinVar:

NM_000059.4(BRCA2):c.6049A>G (p.Lys2017Glu)

Gene: BRCA2 (BRCA2 DNA repair associated; plus strand). Cytogenetic location: 13q13.1.
Variant type: single nucleotide variant.
Coding change: c.6049A>G on transcript NM_000059.4 (MANE Select); coding-DNA position 6049, A replaced by G.
Protein change: p.Lys2017Glu; replaces lysine 2017 with glutamic acid.
Molecular consequence: missense variant.
Genome position (GRCh38, 1-based): chr13:32,340,404, A>G. VCF-style: chr13-32340404-A-G. GRCh37 (hg19) VCF-style: chr13-32914541-A-G.
Other names: c.6049A>G, p.Lys2017Glu (NM_001406719.1, NM_001406720.1); short protein forms K2017E.
Identifiers: ClinVar variation 1751255 (VCV001751255.4), dbSNP rs886040630, ClinGen allele CA387787870.

ClinVar aggregate classification (germline): Conflicting classifications of pathogenicity. Review status: criteria provided, conflicting classifications (1 of 4 stars). 2 submissions from 2 submitters: Uncertain significance (1); Likely benign (1). Last evaluated 2023-03-23.

Conditions:
Hereditary cancer-predisposing syndrome. Also called: Hereditary Cancer Syndrome; Hereditary neoplastic syndrome; Neoplastic Syndromes, Hereditary; Tumor predisposition. Identifiers: Orphanet 140162, MedGen C0027672, MeSH D009386, MONDO:0015356.

Submissions (2):

University of Washington Department of Laboratory Medicine, University of Washington
Classification: Likely benign for Hereditary cancer-predisposing syndrome. Last evaluated: 2023-03-23. Review status: criteria provided, single submitter. Criteria: Dines et al. (Genet Med. 2020). Collection method: curation. Allele origin: germline.
Comment: Missense variant in a coldspot region where missense variants are very unlikely to be pathogenic (PMID:31911673).

BRCA2 exon 11 coldspot. Reclassification based on statistical prior probability.

Ambry Genetics
Classification: Uncertain significance for Hereditary cancer-predisposing syndrome. Last evaluated: 2021-12-30. Review status: criteria provided, single submitter. Criteria: Ambry Variant Classification Scheme 2023. Collection method: clinical testing. Allele origin: germline.
Comment: The p.K2017E variant (also known as c.6049A>G), located in coding exon 10 of the BRCA2 gene, results from an A to G substitution at nucleotide position 6049. The lysine at codon 2017 is replaced by glutamic acid, an amino acid with similar properties. This amino acid position is conserved. In addition, this alteration is predicted to be tolerated by in silico analysis. Since supporting evidence is limited at this time, the clinical significance of this alteration remains unclear.